The following is an entry in ClinVar:

ClinVar aggregate classification (germline): Pathogenic. Review status: reviewed by expert panel (3 of 4 stars). 3 submissions from 3 submitters: Pathogenic (1). 2 of the submissions do not count toward it. Last evaluated 2016-10-18.

Conditions:
Breast-ovarian cancer, familial, susceptibility to, 1 (BROVCA1). Also called: BRCA1 Hereditary Breast and Ovarian Cancer; OVARIAN CANCER, SUSCEPTIBILITY TO. Identifiers: Orphanet 145, MedGen C2676676, MONDO:0011450, OMIM 604370. Disease mechanism: loss of function.

Submissions (3):

Evidence-based Network for the Interpretation of Germline Mutant Alleles (ENIGMA)
Classification: Pathogenic for Breast-ovarian cancer, familial, susceptibility to, 1. Last evaluated: 2016-10-18. Review status: reviewed by expert panel. Criteria: ENIGMA BRCA1/2 Classification Criteria (2015). Collection method: curation. Allele origin: germline.
Comment: Variant allele predicted to encode a truncated non-functional protein.

GeneDx
Classification: Pathogenic. Last evaluated: 2016-01-21. Review status: criteria provided, single submitter. Criteria: GeneDx Variant Classification (06012015). Collection method: clinical testing. Allele origin: germline. Affected: yes. Not counted in ClinVar's aggregate classification.
Comment: This variant is denoted BRCA1 c.1529C>A at the cDNA level and p.Ser510Ter (S510X) at the protein level. The substitution creates a nonsense variant, which changes a Serine to a premature stop codon (TCA>TAA), and is predicted to cause loss of normal protein function through either protein truncation or nonsense-mediated mRNA decay. This variant, also denoted BRCA1 1648C>A, has been reported in association with hereditary breast and ovarian cancer (Verhoog 2001, Borg 2010) and is considered pathogenic.

Consortium of Investigators of Modifiers of BRCA1/2 (CIMBA), c/o University of Cambridge
Classification: Pathogenic for Breast-ovarian cancer, familial, susceptibility to, 1. Last evaluated: 2015-10-02. Review status: criteria provided, single submitter. Criteria: CIMBA Mutation Classification guidelines May 2016. Collection method: clinical testing. Allele origin: germline. Not counted in ClinVar's aggregate classification.

NM_007294.4(BRCA1):c.1529C>A (p.Ser510Ter)

Gene: BRCA1 (BRCA1 DNA repair associated; minus strand). Cytogenetic location: 17q21.31.
Variant type: single nucleotide variant.
Coding change: c.1529C>A on transcript NM_007294.4 (MANE Select); coding-DNA position 1529, C replaced by A.
Protein change: p.Ser510Ter; replaces serine 510 with a stop codon.
Molecular consequence: nonsense. On other transcripts: intron variant (137).
Genome position (GRCh38, 1-based): chr17:43,094,002, G>T on the plus strand (C>A on the coding strand, the complement: BRCA1 is on the minus strand). VCF-style: chr17-43094002-G-T. GRCh37 (hg19) VCF-style: chr17-41246019-G-T.
Other names: 1648C>A; c.1529C>A, p.Ser510Ter (NM_001407593.1, NM_001407594.1, NM_001407596.1 and 30 more transcripts); c.1526C>A, p.Ser509Ter (NM_001407610.1, NM_001407627.1, NM_001407628.1 and 22 more transcripts); c.1520C>A, p.Ser507Ter (NM_001407646.1, NM_001407647.1); c.1406C>A, p.Ser469Ter (NM_001407648.1, NM_001407664.1, NM_001407665.1 and 19 more transcripts); c.1403C>A, p.Ser468Ter (NM_001407649.1, NM_001407670.1, NM_001407685.1 and 11 more transcripts); c.1448C>A, p.Ser483Ter (NM_001407662.1, NM_001407659.1, NM_001407660.1 and 1 more transcripts); c.1451C>A, p.Ser484Ter (NM_001407663.1, NM_001407653.1, NM_001407654.1 and 4 more transcripts); and 41 more; short protein forms S510*, S463*, S398*, S469*, S509*, S382*, S421*, S422*.
Identifiers: ClinVar variation 266173 (VCV000266173.8), dbSNP rs80357427, ClinGen allele CA10589932.
Genomic context (GRCh38, chr17:43,094,002, plus strand): 5'-TCAGGAGTCTTTTGAACTGCCAAATCTGCTTTCTTGATAAAATCCTCAGGATGAAGGCCT[G>T]ATGTAGGTCTCCTTTTACGCTTTAATTTATTTGTGAGGGGACGCTCTTGTATTATCTGTG-3'